The following is an entry in ClinVar:

NM_001166108.2(PALLD):c.774C>A (p.His258Gln)

Gene: PALLD (palladin, cytoskeletal associated protein; plus strand). Cytogenetic location: 4q32.3.
Variant type: single nucleotide variant.
Coding change: c.774C>A on transcript NM_001166108.2 (MANE Select); coding-DNA position 774, C replaced by A.
Protein change: p.His258Gln; replaces histidine 258 with glutamine.
Molecular consequence: missense variant.
Genome position (GRCh38, 1-based): chr4:168,512,278, C>A. VCF-style: chr4-168512278-C-A. GRCh37 (hg19) VCF-style: chr4-169433429-C-A.
Other names: c.774C>A, p.His258Gln (NM_016081.4); short protein forms H258Q.
Identifiers: ClinVar variation 1760436 (VCV001760436.3), dbSNP rs1483536727, ClinGen allele CA358728305.
Genomic context (GRCh38, chr4:168,512,278, plus strand): 5'-GGCCAGGCATTGCTACCAGGACAACCAGGACTTGGCAGTGCCACACAACCGCAAGTCTCA[C>A]CCACAGCCCCACAGCGCCCTCCACTTCCCAGCTGCACCTCGATTCATCCAAAAGCTGAGG-3'
Protein context (NP_001159580.1, residues 248-268): DLAVPHNRKS[His258Gln]PQPHSALHFP

ClinVar aggregate classification (germline): Uncertain significance (1 of 4 stars; one submission).

Allele frequency attached by ClinVar (database versions not stated): gnomAD exomes below 0.00001; gnomAD 0.00003; TOPMed 0.00003.
gnomAD v4.1: 6 of 1,614,058 alleles (0.00037%); highest among the groups gnomAD compares: African/African-American, 0.008%; no homozygotes.

Submission:

Ambry Genetics
Classification: Uncertain significance. Last evaluated: 2024-07-18. Review status: criteria provided, single submitter. Criteria: Ambry Variant Classification Scheme 2023. Collection method: clinical testing. Allele origin: germline.
Comment: The p.H258Q variant (also known as c.774C>A), located in coding exon 1 of the PALLD gene, results from a C to A substitution at nucleotide position 774. The histidine at codon 258 is replaced by glutamine, an amino acid with highly similar properties. This amino acid position is conserved. In addition, this alteration is predicted to be tolerated by in silico analysis. Since supporting evidence is limited at this time, the clinical significance of this alteration remains unclear.